The following is an entry in ClinVar:

ClinVar aggregate classification (germline): Uncertain significance (1 of 4 stars; one submission).

Allele frequency attached by ClinVar (database versions not stated): gnomAD exomes 0.00001; ExAC 0.00003; gnomAD 0.00003; TOPMed 0.00003.
gnomAD v4.1: 15 of 1,603,468 alleles (0.00094%); highest among the groups gnomAD compares: South Asian, 0.0011%; no homozygotes.

Submission:

Labcorp Genetics (formerly Invitae), Labcorp
Classification: Uncertain significance. Last evaluated: 2022-05-17. Review status: criteria provided, single submitter. Criteria: Invitae Variant Classification Sherloc (09022015). Collection method: clinical testing. Allele origin: germline.
Comment: In summary, the available evidence is currently insufficient to determine the role of this variant in disease. Therefore, it has been classified as a Variant of Uncertain Significance. Algorithms developed to predict the effect of missense changes on protein structure and function (SIFT, PolyPhen-2, Align-GVGD) all suggest that this variant is likely to be tolerated. This variant has not been reported in the literature in individuals affected with TRIOBP-related conditions. This variant is present in population databases (rs765428270, gnomAD 0.003%). This sequence change replaces proline, which is neutral and non-polar, with serine, which is neutral and polar, at codon 1686 of the TRIOBP protein (p.Pro1686Ser).

NM_001039141.3(TRIOBP):c.5056C>T (p.Pro1686Ser)

Gene: TRIOBP (TRIO and F-actin binding protein; plus strand). Cytogenetic location: 22q13.1.
Variant type: single nucleotide variant.
Coding change: c.5056C>T on transcript NM_001039141.3 (MANE Select); coding-DNA position 5056, C replaced by T.
Protein change: p.Pro1686Ser; replaces proline 1686 with serine.
Molecular consequence: missense variant.
Genome position (GRCh38, 1-based): chr22:37,735,392, C>T. VCF-style: chr22-37735392-C-T. GRCh37 (hg19) VCF-style: chr22-38131399-C-T.
Other names: short protein forms P1686S.
Identifiers: ClinVar variation 1903333 (VCV001903333.5), dbSNP rs765428270, ClinGen allele CA10224498.
Genomic context (GRCh38, chr22:37,735,392, plus strand): 5'-AAGATCAAAGTGACAAGAGGACCAGCGACCGCAACTCTGGCAGGCCTGGAGCAGACGGGC[C>T]CCCTGGGGAGCAGGAGCACTGCGAAGGGCCCCAGCTTGCCAGAGCTGCAGGTAAGGAGGT-3'
Protein context (NP_001034230.1, residues 1676-1696): ATLAGLEQTG[Pro1686Ser]LGSRSTAKGP